The following is an entry in ClinVar:

NM_002439.5(MSH3):c.1522A>G (p.Lys508Glu)

Gene: MSH3 (mutS homolog 3; plus strand). Cytogenetic location: 5q14.1.
Variant type: single nucleotide variant.
Coding change: c.1522A>G on transcript NM_002439.5 (MANE Select); coding-DNA position 1522, A replaced by G.
Protein change: p.Lys508Glu; replaces lysine 508 with glutamic acid.
Molecular consequence: missense variant.
Genome position (GRCh38, 1-based): chr5:80,728,919, A>G. VCF-style: chr5-80728919-A-G. GRCh37 (hg19) VCF-style: chr5-80024738-A-G.
Other names: short protein forms K508E.
Identifiers: ClinVar variation 781999 (VCV000781999.25), dbSNP rs146768828, ClinGen allele CA3327945.

ClinVar aggregate classification (germline): Conflicting classifications of pathogenicity. Review status: criteria provided, conflicting classifications (1 of 4 stars). 8 submissions from 8 submitters: Uncertain significance (1); Likely benign (6). 1 of the submissions does not count toward it. Last evaluated 2026-07-01.

Conditions:
MSH3-related disorder. Also called: MSH3-related condition.
Familial adenomatous polyposis 4 (FAP4). Also called: MSH3-related attenuated familial adenomatous polyposis. Identifiers: Orphanet 480536, MedGen C4310719, MONDO:0044300, OMIM 617100.
Endometrial carcinoma. Also called: Endometrial carcinoma, somatic. Identifiers: MedGen C0476089, MONDO:0002447, OMIM 608089, HP:0012114.
Hereditary cancer-predisposing syndrome. Also called: Hereditary neoplastic syndrome; Hereditary Cancer Syndrome; Neoplastic Syndromes, Hereditary; Tumor predisposition. Identifiers: Orphanet 140162, MedGen C0027672, MeSH D009386, MONDO:0015356.

Allele frequency attached by ClinVar (database versions not stated): gnomAD exomes 0.00013 and 0.00031; ExAC 0.00040; ESP Exome Variant Server 0.00100; gnomAD 0.00112 and 0.00113; TOPMed 0.00121; 1000 Genomes Project 30x 0.00234; 1000 Genomes Project 0.00240.
gnomAD v4.1: 392 of 1,612,578 alleles (0.024%); highest among the groups gnomAD compares: African/African-American, 0.44%; 2 homozygotes.

Submissions (9):

CeGaT Center for Human Genetics Tuebingen
Classification: Likely benign. Last evaluated: 2026-07-01. Review status: criteria provided, single submitter. Criteria: CeGaT Center For Human Genetics Tuebingen Variant Classification Criteria Version 2. Collection method: clinical testing. Allele origin: germline. Affected: yes. Observed: 1 variant allele.
Comment: MSH3: BP4, BS2

Labcorp Genetics (formerly Invitae), Labcorp
Classification: Likely benign. Last evaluated: 2026-02-03. Review status: criteria provided, single submitter. Criteria: Invitae Variant Classification Sherloc (09022015). Collection method: clinical testing. Allele origin: germline.

Dasa
Classification: Likely benign. Last evaluated: 2025-11-27. Review status: criteria provided, single submitter. Criteria: DASA Assertion Criteria. Collection method: clinical testing. Allele origin: germline.
Comment: NM_002439.5(MSH3):c.1522A>G (p.Lys508Glu) is a missense variant that results in the substitution of lysine with glutamic acid. Population frequency is inconsistent with a disease-causing role for this variant, and the variant context is inconsistent with a known disease-causing mechanism. Therefore, based on the currently available evidence, this variant is classified as likely benign.

Quest Diagnostics Nichols Institute San Juan Capistrano
Classification: Likely benign. Last evaluated: 2025-11-06. Review status: criteria provided, single submitter. Criteria: Quest Diagnostics criteria. Collection method: clinical testing. Allele origin: unknown.

GeneDx
Classification: Uncertain significance. Last evaluated: 2025-08-21. Review status: criteria provided, single submitter. Criteria: GeneDx Variant Classification Process June 2021. Collection method: clinical testing. Allele origin: germline.
Comment: In silico analysis suggests that this missense variant does not alter protein structure/function; Observed in individuals with colorectal cancer in published literature (PMID: 28944238); This variant is associated with the following publications: (PMID: 28944238)

Department of Pathology and Laboratory Medicine, Sinai Health System
Classification: Likely benign for Endometrial carcinoma; Familial adenomatous polyposis 4. Last evaluated: 2024-10-31. Review status: criteria provided, single submitter. Criteria: ACMG Guidelines, 2015. Collection method: clinical testing. Allele origin: germline.

Ambry Genetics
Classification: Likely benign for Hereditary cancer-predisposing syndrome. Last evaluated: 2018-11-16. Review status: criteria provided, single submitter. Criteria: Ambry Variant Classification Scheme 2023. Collection method: clinical testing. Allele origin: germline.

PreventionGenetics, part of Exact Sciences
Classification: Likely benign for MSH3-related condition. Last evaluated: 2020-12-18. Review status: no assertion criteria provided. Collection method: clinical testing. Allele origin: germline. Not counted in ClinVar's aggregate classification.
Comment: This variant is classified as likely benign based on ACMG/AMP sequence variant interpretation guidelines (Richards et al. 2015 PMID: 25741868, with internal and published modifications).

Dr. Peter K. Rogan Lab, Western University
No classification provided (evidence only). Condition: Cervical cancer. Review status: no classification provided. Collection method: in vitro. Allele origin: not applicable. Functional consequence: retained intron. Not counted in ClinVar's aggregate classification.

Literature cited by the submitters: PubMed 37088804 (cited by Quest Diagnostics Nichols Institute San Juan Capistrano); PubMed 28944238 (cited by Quest Diagnostics Nichols Institute San Juan Capistrano).